The following is an entry in ClinVar:

ClinVar aggregate classification (germline): Likely benign. Review status: criteria provided, multiple submitters, no conflicts (2 of 4 stars). 2 submissions from 2 submitters: Likely benign (2). Last evaluated 2022-08-09.

Conditions:
Mitochondrial hypertrophic cardiomyopathy with lactic acidosis due to MTO1 deficiency. Also called: Combined oxidative phosphorylation deficiency 10; CARDIOMYOPATHY, INFANTILE HYPERTROPHIC MITOCHONDRIAL, AND LACTIC ACIDOSIS. Identifiers: Orphanet 314637, MedGen C4749921, MONDO:0013865, OMIM 614702.

Allele frequency attached by ClinVar (database versions not stated): gnomAD exomes below 0.00001.
gnomAD v4.1: 1 of 1,608,446 alleles (0.000062%); no homozygotes.

Submissions (2):

Labcorp Genetics (formerly Invitae), Labcorp
Classification: Likely benign for Mitochondrial hypertrophic cardiomyopathy with lactic acidosis due to MTO1 deficiency. Last evaluated: 2022-08-09. Review status: criteria provided, single submitter. Criteria: Invitae Variant Classification Sherloc (09022015). Collection method: clinical testing. Allele origin: germline.

GeneDx
Classification: Likely benign. Last evaluated: 2017-04-27. Review status: criteria provided, single submitter. Criteria: GeneDx Variant Classification (06012015). Collection method: clinical testing. Allele origin: germline. Affected: yes.
Comment: This variant is considered likely benign or benign based on one or more of the following criteria: it is a conservative change, it occurs at a poorly conserved position in the protein, it is predicted to be benign by multiple in silico algorithms, and/or has population frequency not consistent with disease.

NM_012123.4(MTO1):c.1918-19T>C

Gene: MTO1 (mitochondrial tRNA translation optimization 1; plus strand). Cytogenetic location: 6q13.
Variant type: single nucleotide variant.
Coding change: c.1918-19T>C on transcript NM_012123.4 (MANE Select); 19 bases into the intron before coding-DNA position 1918, T replaced by C.
Molecular consequence: intron variant.
Genome position (GRCh38, 1-based): chr6:73,500,555, T>C. VCF-style: chr6-73500555-T-C. GRCh37 (hg19) VCF-style: chr6-74210278-T-C.
Other names: c.1993-19T>C (NM_133645.3); c.2038-19T>C (NM_001123226.2).
Identifiers: ClinVar variation 508978 (VCV000508978.5), dbSNP rs1554151114, ClinGen allele CA658796787.